The following is an entry in ClinVar:

NM_001134831.2(AHI1):c.2453A>G (p.His818Arg)

Gene: AHI1 (Abelson helper integration site 1; minus strand). Cytogenetic location: 6q23.3.
Variant type: single nucleotide variant.
Coding change: c.2453A>G on transcript NM_001134831.2 (MANE Select); coding-DNA position 2453, A replaced by G.
Protein change: p.His818Arg; replaces histidine 818 with arginine.
Molecular consequence: missense variant.
Genome position (GRCh38, 1-based): chr6:135,429,921, T>C on the plus strand (A>G on the coding strand, the complement: AHI1 is on the minus strand). VCF-style: chr6-135429921-T-C. GRCh37 (hg19) VCF-style: chr6-135751059-T-C.
Other names: c.2453A>G, p.His818Arg (NM_001134830.2, NM_001134832.2, NM_001350503.2 and 2 more transcripts); c.2453A>G (NM_017651.4); short protein forms H818R.
Identifiers: ClinVar variation 1001306 (VCV001001306.8), dbSNP rs371891688, ClinGen allele CA148119841.

ClinVar aggregate classification (germline): Uncertain significance. Review status: criteria provided, multiple submitters, no conflicts (2 of 4 stars). 2 submissions from 2 submitters: Uncertain significance (2). Last evaluated 2025-01-15.

Conditions:
Inborn genetic diseases. Identifiers: MedGen C0950123, MeSH D030342.
Joubert syndrome. Also called: Familial aplasia of the vermis; CEREBELLOPARENCHYMAL DISORDER IV; JOUBERT-BOLTSHAUSER SYNDROME. Identifiers: Orphanet 475, MedGen C5979921, MONDO:0018772.

Allele frequency attached by ClinVar (database versions not stated): gnomAD exomes below 0.00001 and 0.00001; gnomAD 0.00005; ESP Exome Variant Server 0.00009; TOPMed 0.00009.
gnomAD v4.1: 13 of 1,590,034 alleles (0.00082%); highest among the groups gnomAD compares: Admixed American, 0.014%; no homozygotes.

Submissions (2):

Labcorp Genetics (formerly Invitae), Labcorp
Classification: Uncertain significance for Joubert syndrome. Last evaluated: 2025-01-15. Review status: criteria provided, single submitter. Criteria: Invitae Variant Classification Sherloc (09022015). Collection method: clinical testing. Allele origin: germline.
Comment: This sequence change replaces histidine, which is basic and polar, with arginine, which is basic and polar, at codon 818 of the AHI1 protein (p.His818Arg). The frequency data for this variant in the population databases is considered unreliable, as metrics indicate poor data quality at this position in the gnomAD database. This variant has not been reported in the literature in individuals affected with AHI1-related conditions. ClinVar contains an entry for this variant (Variation ID: 1001306). Invitae Evidence Modeling of protein sequence and biophysical properties (such as structural, functional, and spatial information, amino acid conservation, physicochemical variation, residue mobility, and thermodynamic stability) indicates that this missense variant is expected to disrupt AHI1 protein function with a positive predictive value of 95%. In summary, the available evidence is currently insufficient to determine the role of this variant in disease. Therefore, it has been classified as a Variant of Uncertain Significance.

Ambry Genetics
Classification: Uncertain significance for Inborn genetic diseases. Last evaluated: 2024-02-12. Review status: criteria provided, single submitter. Criteria: Ambry Variant Classification Scheme 2023. Collection method: clinical testing. Allele origin: germline.